The following is an entry in ClinVar:

ClinVar aggregate classification (germline): Uncertain significance (1 of 4 stars; one submission).

Conditions:
Arrhythmogenic right ventricular cardiomyopathy (ARVD). Also called: Arrhythmogenic right ventricular dysplasia; Cardiomyopathy, ARVC; Arrhythmogenic cardiomyopathy; Arrhythmogenic Right Ventricular Cardiomyopathy (ARVC). Identifiers: Orphanet 247, MedGen C0349788, MeSH D019571, MONDO:0016587. Disease mechanism: loss of function. Inheritance: Various modes of inheritance.

Submission:

All of Us Research Program, National Institutes of Health
Classification: Uncertain significance for Arrhythmogenic right ventricular cardiomyopathy. Last evaluated: 2023-06-26. Review status: criteria provided, single submitter. Criteria: ACMG Guidelines, 2015. Collection method: clinical testing. Allele origin: germline. Inheritance: Autosomal dominant inheritance. Observed: 1 variant allele, 1 heterozygote.
Comment: This missense variant replaces glutamic acid with aspartic acid at codon 324 of the DSG2 protein. Computational prediction suggests that this variant may not impact protein structure and function (internally defined REVEL score threshold <= 0.5, PMID: 27666373). To our knowledge, functional studies have not been reported for this variant. This variant has not been reported in individuals affected with DSG2-related disorders in the literature. This variant has not been identified in the general population by the Genome Aggregation Database (gnomAD). The available evidence is insufficient to determine the role of this variant in disease conclusively. Therefore, this variant is classified as a Variant of Uncertain Significance.

This study involves interpretation of variants in research participants for the purpose of population health screening. Participant phenotype was not available at the time of variant classification. Additional details can be found in publication PMID: 35346344, PMCID: PMC8962531

NM_001943.5(DSG2):c.972A>T (p.Glu324Asp)

Gene: DSG2 (desmoglein 2; plus strand). Cytogenetic location: 18q12.1.
Variant type: single nucleotide variant.
Coding change: c.972A>T on transcript NM_001943.5 (MANE Select); coding-DNA position 972, A replaced by T.
Protein change: p.Glu324Asp; replaces glutamic acid 324 with aspartic acid.
Molecular consequence: missense variant.
Genome position (GRCh38, 1-based): chr18:31,524,846, A>T. VCF-style: chr18-31524846-A-T. GRCh37 (hg19) VCF-style: chr18-29104809-A-T.
Other names: short protein forms E324D.
Identifiers: ClinVar variation 3072184 (VCV003072184.1), dbSNP rs2510912964, ClinGen allele CA402135839.